The following is an entry in ClinVar:

NM_015175.3(NBEAL2):c.4485-1G>T

Gene: NBEAL2 (neurobeachin like 2; plus strand). Cytogenetic location: 3p21.31.
Variant type: single nucleotide variant.
Coding change: c.4485-1G>T on transcript NM_015175.3 (MANE Select); the canonical splice acceptor site of the intron before coding-DNA position 4485, G replaced by T.
Molecular consequence: splice acceptor variant.
Genome position (GRCh38, 1-based): chr3:47,001,278, G>T. VCF-style: chr3-47001278-G-T. GRCh37 (hg19) VCF-style: chr3-47042768-G-T.
Other names: NM_015175.3:c.4485-1G>T; NC_000003.11:g.47042768G>T; c.4383-1G>T (NM_001365116.2).
Identifiers: ClinVar variation 982282 (VCV000982282.7), dbSNP rs763842878, ClinGen allele CA2361263.

ClinVar aggregate classification (germline): Pathogenic/Likely pathogenic. Review status: criteria provided, multiple submitters, no conflicts (2 of 4 stars). 2 submissions from 2 submitters: Pathogenic (1); Likely pathogenic (1). Last evaluated 2022-08-08.

Conditions:
Gray platelet syndrome (GPS). Also called: BLEEDING DISORDER, PLATELET-TYPE, 4. Identifiers: Orphanet 721, MedGen C0272302, MONDO:0007686, OMIM 139090.

Allele frequency attached by ClinVar (database versions not stated): TOPMed below 0.00001; ExAC 0.00001; gnomAD 0.00001; gnomAD exomes 0.00001.
gnomAD v4.1: 18 of 1,603,406 alleles (0.0011%); highest among the groups gnomAD compares: Non-Finnish European, 0.00034%; no homozygotes.

Submissions (4):

Department of Pathology and Laboratory Medicine, Sinai Health System
Classification: Likely pathogenic for Gray platelet syndrome. Last evaluated: 2022-08-08. Review status: criteria provided, single submitter. Criteria: ACMG Guidelines, 2015. Collection method: research. Allele origin: germline.

NIHR Bioresource Rare Diseases, University of Cambridge
Classification: Pathogenic for Gray platelet syndrome. Last evaluated: 2020-03-01. Review status: criteria provided, single submitter. Criteria: ACMG Guidelines, 2015. Collection method: research. Allele origin: unknown. Inheritance: Autosomal recessive inheritance. Affected: yes. Observed: 1 compound heterozygote.
Comment: ACMG criteria: PVS1, PM2, PP4

Dr. Peter K. Rogan Lab, Western University
No classification provided (evidence only). Condition: Pancreatic adenocarcinoma. Review status: no classification provided. Collection method: in vitro. Allele origin: not applicable. Functional consequence: retained intron. Not counted in ClinVar's aggregate classification.

MutSpliceDB: a database of splice sites variants effects on splicing, NIH
No classification provided (evidence only). Review status: no classification provided. Collection method: in vivo. Allele origin: not applicable. Functional consequence: retained intron. Not counted in ClinVar's aggregate classification.

Literature cited by the submitters: PubMed 32693407 (cited by NIHR Bioresource Rare Diseases, University of Cambridge).